The following is an entry in ClinVar:

ClinVar aggregate classification (germline): Uncertain significance (1 of 4 stars; one submission).

Allele frequency attached by ClinVar (database versions not stated): ExAC 0.00001; gnomAD 0.00003; TOPMed 0.00005; 1000 Genomes Project 0.00020; 1000 Genomes Project 30x 0.00031.
gnomAD v4.1: 54 of 1,613,730 alleles (0.0033%); highest among the groups gnomAD compares: East Asian, 0.033%; 1 homozygote.

Submission:

Labcorp Genetics (formerly Invitae), Labcorp
Classification: Uncertain significance. Last evaluated: 2024-12-17. Review status: criteria provided, single submitter. Criteria: Invitae Variant Classification Sherloc (09022015). Collection method: clinical testing. Allele origin: germline.
Comment: This sequence change replaces arginine, which is basic and polar, with glutamine, which is neutral and polar, at codon 1009 of the EFL1 protein (p.Arg1009Gln). This variant is present in population databases (rs187991095, gnomAD 0.03%). This variant has not been reported in the literature in individuals affected with EFL1-related conditions. ClinVar contains an entry for this variant (Variation ID: 2145644). Invitae Evidence Modeling of protein sequence and biophysical properties (such as structural, functional, and spatial information, amino acid conservation, physicochemical variation, residue mobility, and thermodynamic stability) indicates that this missense variant is not expected to disrupt EFL1 protein function with a negative predictive value of 80%. In summary, the available evidence is currently insufficient to determine the role of this variant in disease. Therefore, it has been classified as a Variant of Uncertain Significance.

NM_024580.6(EFL1):c.3026G>A (p.Arg1009Gln)

Gene: EFL1 (elongation factor like GTPase 1; minus strand). Cytogenetic location: 15q25.2.
Variant type: single nucleotide variant.
Coding change: c.3026G>A on transcript NM_024580.6 (MANE Select); coding-DNA position 3026, G replaced by A.
Protein change: p.Arg1009Gln; replaces arginine 1009 with glutamine.
Molecular consequence: missense variant. On other transcripts: non-coding transcript variant (1).
Genome position (GRCh38, 1-based): chr15:82,138,806, C>T on the plus strand (G>A on the coding strand, the complement: EFL1 is on the minus strand). VCF-style: chr15-82138806-C-T. GRCh37 (hg19) VCF-style: chr15-82431147-C-T.
Other names: c.2873G>A, p.Arg958Gln (NM_001040610.3); c.2237G>A, p.Arg746Gln (NM_001322844.2); c.3026G>A, p.Arg1009Gln (NM_001322845.2); short protein forms R746Q, R1009Q, R958Q.
Identifiers: ClinVar variation 2145644 (VCV002145644.2), dbSNP rs187991095, ClinGen allele CA7697643.
Genomic context (GRCh38, chr15:82,138,806, plus strand): 5'-GGCAGCACAGCCTTGATGATGAACATGTCTGTCCCTTCTTTCATTTCTTCTTGAAGTACC[C>T]GACCTTCTCTCTTTGACAAGACAGCATAGACTCGACCTGTAAAACCATAAATCTTTTAAA-3'
Protein context (NP_078856.4, residues 999-1019): VYAVLSKREG[Arg1009Gln]VLQEEMKEGT